The following is an entry in ClinVar:

NM_005589.4(ALDH6A1):c.412G>A (p.Val138Ile)

Genes: ALDH6A1 (aldehyde dehydrogenase 6 family member A1; minus strand), BBOF1 (basal body orientation factor 1; plus strand). Cytogenetic location: 14q24.3.
Variant type: single nucleotide variant.
Coding change: c.412G>A on transcript NM_005589.4 (MANE Select); coding-DNA position 412, G replaced by A.
Protein change: p.Val138Ile; replaces valine 138 with isoleucine.
Molecular consequence: missense variant. On other transcripts: 5 prime UTR variant (1).
Genome position (GRCh38, 1-based): chr14:74,071,911, C>T on the plus strand (G>A on the coding strand, the complement: ALDH6A1 is on the minus strand). VCF-style: chr14-74071911-C-T. GRCh37 (hg19) VCF-style: chr14-74538614-C-T.
Other names: c.373G>A, p.Val125Ile (NM_001278593.2); c.-214G>A (NM_001278594.2); short protein forms V125I, V138I.
Identifiers: ClinVar variation 2068602 (VCV002068602.4), dbSNP rs2504611792, ClinGen allele CA390372524.

ClinVar aggregate classification (germline): Uncertain significance (1 of 4 stars; one submission).

Allele frequency attached by ClinVar (database versions not stated): gnomAD exomes below 0.00001.
gnomAD v4.1: 1 of 1,614,214 alleles (0.000062%); highest among the groups gnomAD compares: African/African-American, 0.0013%; no homozygotes.

Submission:

Labcorp Genetics (formerly Invitae), Labcorp
Classification: Uncertain significance. Last evaluated: 2022-01-01. Review status: criteria provided, single submitter. Criteria: Invitae Variant Classification Sherloc (09022015). Collection method: clinical testing. Allele origin: germline.
Comment: In summary, the available evidence is currently insufficient to determine the role of this variant in disease. Therefore, it has been classified as a Variant of Uncertain Significance. Advanced modeling of protein sequence and biophysical properties (such as structural, functional, and spatial information, amino acid conservation, physicochemical variation, residue mobility, and thermodynamic stability) performed at Invitae indicates that this missense variant is not expected to disrupt ALDH6A1 protein function. This variant has not been reported in the literature in individuals affected with ALDH6A1-related conditions. This variant is not present in population databases (gnomAD no frequency). This sequence change replaces valine, which is neutral and non-polar, with isoleucine, which is neutral and non-polar, at codon 138 of the ALDH6A1 protein (p.Val138Ile).